The following is an entry in ClinVar:

ClinVar aggregate classification (germline): Pathogenic (1 of 4 stars; one submission).

Conditions:
Charcot-Marie-Tooth disease axonal type 2S. Also called: CHARCOT-MARIE-TOOTH DISEASE, AXONAL, AUTOSOMAL RECESSIVE, TYPE 2S; CHARCOT-MARIE-TOOTH NEUROPATHY, TYPE 2S. Identifiers: Orphanet 443073, MedGen C4015349, MONDO:0014511, OMIM 616155.
Autosomal recessive distal spinal muscular atrophy 1. Also called: HMN VI; NEURONOPATHY, SEVERE INFANTILE AXONAL, WITH RESPIRATORY FAILURE; SEVERE INFANTILE AXONAL NEUROPATHY WITH RESPIRATORY FAILURE; SPINAL MUSCULAR ATROPHY, DIAPHRAGMATIC; Spinal muscular atrophy with respiratory distress 1; NEURONOPATHY, DISTAL HEREDITARY MOTOR, HARDING TYPE VI. Identifiers: Orphanet 98920, MedGen C1858517, MONDO:0011436, OMIM 604320.

Submission:

Labcorp Genetics (formerly Invitae), Labcorp
Classification: Pathogenic for Autosomal recessive distal spinal muscular atrophy 1; Charcot-Marie-Tooth disease axonal type 2S. Last evaluated: 2023-03-07. Review status: criteria provided, single submitter. Criteria: Invitae Variant Classification Sherloc (09022015). Collection method: clinical testing. Allele origin: germline.
Comment: This sequence change creates a premature translational stop signal (p.Gln230*) in the IGHMBP2 gene. It is expected to result in an absent or disrupted protein product. Loss-of-function variants in IGHMBP2 are known to be pathogenic (PMID: 14681881, 25439726, 25568292). This variant is not present in population databases (gnomAD no frequency). This variant has not been reported in the literature in individuals affected with IGHMBP2-related conditions. For these reasons, this variant has been classified as Pathogenic.

Literature cited by the submitters: PubMed 14681881; PubMed 25439726; PubMed 25568292.

NM_002180.3(IGHMBP2):c.688C>T (p.Gln230Ter)

Gene: IGHMBP2 (immunoglobulin mu DNA binding protein 2; plus strand). Cytogenetic location: 11q13.3.
Variant type: single nucleotide variant.
Coding change: c.688C>T on transcript NM_002180.3 (MANE Select); coding-DNA position 688, C replaced by T.
Protein change: p.Gln230Ter; replaces glutamine 230 with a stop codon.
Molecular consequence: nonsense.
Genome position (GRCh38, 1-based): chr11:68,911,580, C>T. VCF-style: chr11-68911580-C-T. GRCh37 (hg19) VCF-style: chr11-68679048-C-T.
Other names: short protein forms Q230*.
Identifiers: ClinVar variation 2945030 (VCV002945030.3), dbSNP rs1555243325, ClinGen allele CA381644006.